The following is an entry in ClinVar:

ClinVar aggregate classification (germline): Likely pathogenic (1 of 4 stars; one submission).

Conditions:
Developmental and epileptic encephalopathy, 1 (DEE1). Also called: OHTAHARA SYNDROME, X-LINKED; INFANTILE SPASM SYNDROME, X-LINKED 1; X-linked infantile spasms; West's syndrome; Tonic spasms with clustering, arrest of psychomotor development and hypsarrhythmia on EEG; X-Linked Infantile Spasm Syndrome. Identifiers: MedGen C3463992, MONDO:0010632, OMIM 308350. Disease mechanism: loss of function.
Intellectual disability, X-linked, with or without seizures, ARX-related. Also called: MENTAL RETARDATION, X-LINKED 29; MENTAL RETARDATION, X-LINKED 32; MENTAL RETARDATION, X-LINKED 33; MENTAL RETARDATION, X-LINKED 38; MENTAL RETARDATION, X-LINKED 43; MENTAL RETARDATION, X-LINKED 76. Identifiers: Orphanet 777, MedGen C0796244, MONDO:0010317, OMIM 300419.

Submission:

Labcorp Genetics (formerly Invitae), Labcorp
Classification: Likely pathogenic for Developmental and epileptic encephalopathy, 1; Intellectual disability, X-linked, with or without seizures, ARX-related. Last evaluated: 2023-08-17. Review status: criteria provided, single submitter. Criteria: Invitae Variant Classification Sherloc (09022015). Collection method: clinical testing. Allele origin: germline.
Comment: In summary, the currently available evidence indicates that the variant is pathogenic, but additional data are needed to prove that conclusively. Therefore, this variant has been classified as Likely Pathogenic. This variant disrupts the p.Arg379 amino acid residue in ARX. Other variant(s) that disrupt this residue have been determined to be pathogenic (PMID: 20148114, 29152528). This suggests that this residue is clinically significant, and that variants that disrupt this residue are likely to be disease-causing. Advanced modeling of protein sequence and biophysical properties (such as structural, functional, and spatial information, amino acid conservation, physicochemical variation, residue mobility, and thermodynamic stability) performed at Invitae indicates that this missense variant is expected to disrupt ARX protein function. ClinVar contains an entry for this variant (Variation ID: 958198). This missense change has been observed in individual(s) with ARX-related conditions (PMID: 32613771; Invitae). This variant is not present in population databases (gnomAD no frequency). This sequence change replaces arginine, which is basic and polar, with cysteine, which is neutral and slightly polar, at codon 379 of the ARX protein (p.Arg379Cys).

Literature cited by the submitters: PubMed 20148114; PubMed 29152528; PubMed 32613771.

NM_139058.3(ARX):c.1135C>T (p.Arg379Cys)

Gene: ARX (aristaless related homeobox; minus strand). Cytogenetic location: Xp21.3.
Variant type: single nucleotide variant.
Coding change: c.1135C>T on transcript NM_139058.3 (MANE Select); coding-DNA position 1135, C replaced by T.
Protein change: p.Arg379Cys; replaces arginine 379 with cysteine.
Molecular consequence: missense variant.
Genome position (GRCh38, 1-based): chrX:25,007,424, G>A on the plus strand (C>T on the coding strand, the complement: ARX is on the minus strand). VCF-style: chrX-25007424-G-A. GRCh37 (hg19) VCF-style: chrX-25025541-G-A.
Other names: short protein forms R379C.
Identifiers: ClinVar variation 958198 (VCV000958198.10), dbSNP rs1556049714, ClinGen allele CA412611654.
Genomic context (GRCh38, chrX:25,007,424, plus strand): 5'-GCAGCCCAGGGGGGTGGGTCTGCGCGCCTGCCTTCTCCCGCTTGCGCCACTTGGCCCGAC[G>A]GTTCTGGAACCAGACCTGCAAGGCAGAGAGAGCCCAGGGTCGGCGCGGCTCGGCCCGGCG-3'
Protein context (NP_620689.1, residues 369-389): EARVQVWFQN[Arg379Cys]RAKWRKREKA